The following is an entry in ClinVar:

NM_031924.8(RSPH3):c.614G>A (p.Arg205His)

Gene: RSPH3 (radial spoke head 3; minus strand). Cytogenetic location: 6q25.3.
Variant type: single nucleotide variant.
Coding change: c.614G>A on transcript NM_031924.8 (MANE Select); coding-DNA position 614, G replaced by A.
Protein change: p.Arg205His; replaces arginine 205 with histidine.
Molecular consequence: missense variant. On other transcripts: non-coding transcript variant (1).
Genome position (GRCh38, 1-based): chr6:158,982,567, C>T on the plus strand (G>A on the coding strand, the complement: RSPH3 is on the minus strand). VCF-style: chr6-158982567-C-T. GRCh37 (hg19) VCF-style: chr6-159403599-C-T.
Other names: c.752G>A, p.Arg251His (NM_001346418.1); short protein forms R251H, R205H.
Identifiers: ClinVar variation 573258 (VCV000573258.8), dbSNP rs754501725, ClinGen allele CA4075861.

ClinVar aggregate classification (germline): Uncertain significance. Review status: criteria provided, multiple submitters, no conflicts (2 of 4 stars). 2 submissions from 2 submitters: Uncertain significance (2). Last evaluated 2023-12-28.

Conditions:
Primary ciliary dyskinesia 32. Also called: CILIARY DYSKINESIA, PRIMARY, 32, WITHOUT SITUS INVERSUS. Identifiers: Orphanet 244, MedGen C4225311, MONDO:0014657, OMIM 616481.

Allele frequency attached by ClinVar (database versions not stated): TOPMed below 0.00001; gnomAD 0.00001; gnomAD exomes 0.00001; ExAC 0.00002.
gnomAD v4.1: 10 of 1,613,680 alleles (0.00062%); highest among the groups gnomAD compares: South Asian, 0.0022%; no homozygotes.

Submissions (2):

Blueprint Genetics
Classification: Uncertain significance. Last evaluated: 2023-12-28. Review status: criteria provided, single submitter. Criteria: ACMG Guidelines, 2015. Collection method: clinical testing. Allele origin: germline.

Labcorp Genetics (formerly Invitae), Labcorp
Classification: Uncertain significance for Primary ciliary dyskinesia 32. Last evaluated: 2022-08-23. Review status: criteria provided, single submitter. Criteria: Invitae Variant Classification Sherloc (09022015). Collection method: clinical testing. Allele origin: germline.
Comment: ClinVar contains an entry for this variant (Variation ID: 573258). This variant has not been reported in the literature in individuals affected with RSPH3-related conditions. This variant is present in population databases (rs754501725, gnomAD 0.004%). This sequence change replaces arginine, which is basic and polar, with histidine, which is basic and polar, at codon 347 of the RSPH3 protein (p.Arg347His). Algorithms developed to predict the effect of missense changes on protein structure and function output the following: SIFT: "Tolerated"; PolyPhen-2: "Benign"; Align-GVGD: "Class C0". The histidine amino acid residue is found in multiple mammalian species, which suggests that this missense change does not adversely affect protein function. In summary, the available evidence is currently insufficient to determine the role of this variant in disease. Therefore, it has been classified as a Variant of Uncertain Significance.